The following is an entry in ClinVar:

ClinVar aggregate classification (germline): Uncertain significance (1 of 4 stars; one submission).

Conditions:
Brugada syndrome. Also called: Sudden unexplained nocturnal death syndrome; Sudden Unexplained Death Syndrome; Sudden Unexplained Nocturnal Death Syndrome (SUNDS); Sudden unexpected nocturnal death syndrome. Identifiers: Orphanet 130, MedGen C1142166, MONDO:0015263.

Allele frequency attached by ClinVar (database versions not stated): gnomAD exomes below 0.00001; gnomAD 0.00001; TOPMed 0.00002.

Submission:

New York Genome Center
Classification: Uncertain significance for Brugada syndrome. Last evaluated: 2019-05-31. Review status: criteria provided, single submitter. Criteria: NYGC Assertion Criteria 2020. Collection method: clinical testing. Allele origin: germline. Affected: yes. Observed: 1 heterozygote. Study: CSER-NYCKidSeq.
Comment: The c.95665G>A (p.Ala31889Thr) variant in the TTN gene substitutes a highly conserved Alanine for Threonine at amino acid 31889/35992 (coding exon 344/363). The variant is absent from gnomAD and ExAC, suggesting it is not a common benign variant in the populations represented in these databases. In silico algorithms predict this variant is Deleterious (Provean; score: -3.48) and Damaging (SIFT; score: 0.008) to the function of the canonical transcript. This variant is absent from ClinVar and to our current knowledge has never been reported in affected individuals in the literature. The Ala31889 amino acid is in the A-band ofthe protein, which is necessary for myosin binding. Given the lack of compelling information regarding the pathogenicity of the c.95665G>A (p.Ala31889Thr) variant in TTN, it is reported here as a Variant of Uncertain Significance.

NM_001267550.2(TTN):c.95665G>A (p.Ala31889Thr)

Genes: TTN (titin; minus strand), TTN-AS1 (TTN antisense RNA 1; plus strand). Cytogenetic location: 2q31.2.
Variant type: single nucleotide variant.
Coding change: c.95665G>A on transcript NM_001267550.2 (MANE Select); coding-DNA position 95665, G replaced by A.
Protein change: p.Ala31889Thr; replaces alanine 31889 with threonine.
Molecular consequence: missense variant.
Genome position (GRCh38, 1-based): chr2:178,545,445, C>T on the plus strand (G>A on the coding strand, the complement: TTN is on the minus strand). VCF-style: chr2-178545445-C-T. GRCh37 (hg19) VCF-style: chr2-179410172-C-T.
Other names: c.90742G>A, p.Ala30248Thr (NM_001256850.1); c.68470G>A, p.Ala22824Thr (NM_003319.4); c.87961G>A, p.Ala29321Thr (NM_133378.4); c.68845G>A, p.Ala22949Thr (NM_133432.3); c.69046G>A, p.Ala23016Thr (NM_133437.4); short protein forms A22824T, A22949T, A23016T, A29321T, A30248T, A31889T.
Identifiers: ClinVar variation 992786 (VCV000992786.1), dbSNP rs1025105445, ClinGen allele CA60971093.
Genomic context (GRCh38, chr2:178,545,445, plus strand): 5'-CACATGATGGTTCTCTGCATGAGATGAAGTTGGAAGCTTCGCTGGGCTCACTGTTACCAG[C>T]TGCATTCACTGCGGTCACCCGGAACTGGTAATCACAACCCTCCATCAGGCTGGTCACCTT-3'
Protein context (NP_001254479.2, residues 31879-31899): YQFRVTAVNA[Ala31889Thr]GNSEPSEASN